The following is an entry in ClinVar:

ClinVar aggregate classification (germline): Pathogenic. Review status: criteria provided, multiple submitters, no conflicts (2 of 4 stars). 3 submissions from 3 submitters: Pathogenic (3). Last evaluated 2023-11-01.

Conditions:
Xeroderma pigmentosum group A (XPA). Also called: XPA-Related Xeroderma Pigmentosum; Xeroderma pigmentosum, complementation group A; XP, group A. Identifiers: Orphanet 910, MedGen C0268135, MONDO:0010210, OMIM 278700.

Submissions (3):

Labcorp Genetics (formerly Invitae), Labcorp
Classification: Pathogenic. Last evaluated: 2023-11-01. Review status: criteria provided, single submitter. Criteria: Invitae Variant Classification Sherloc (09022015). Collection method: clinical testing. Allele origin: germline.
Comment: This sequence change creates a premature translational stop signal (p.Val90Lysfs*15) in the XPA gene. It is expected to result in an absent or disrupted protein product. Loss-of-function variants in XPA are known to be pathogenic (PMID: 27607234). This variant is present in population databases (rs759052378, gnomAD 0.004%). This premature translational stop signal has been observed in individual(s) with xeroderma pigmentosum (PMID: 26743599). ClinVar contains an entry for this variant (Variation ID: 524023). For these reasons, this variant has been classified as Pathogenic.

Baylor Genetics
Classification: Pathogenic for Xeroderma pigmentosum group A. Last evaluated: 2022-12-30. Review status: criteria provided, single submitter. Criteria: ACMG Guidelines, 2015. Collection method: clinical testing. Allele origin: unknown.

GeneDx
Classification: Pathogenic. Last evaluated: 2018-03-16. Review status: criteria provided, single submitter. Criteria: GeneDx Variant Classification (06012015). Collection method: clinical testing. Allele origin: germline. Affected: yes.
Comment: The c.266_267dupAA variant in the XPA gene has been reported previously as homozygous in multiple individuals with xeroderma pigmentosum, one of whom had a more severe phenotype including early skin cancer and intellectual disability (Lehmann et al., 2014; Fassihi et al., 2016). The c.266_267dupAA variant causes a frameshift starting with codon Valine 90, changes this amino acid to a Lysine residue, and creates a premature Stop codon at position 15 of the new reading frame, denoted p.Val90LysfsX15. This variant is predicted to cause loss of normal protein function either through protein truncation or nonsense-mediated mRNA decay. Although not observed as homozygous, the c.266_267dupAA variant is observed in 4/111566 (0.0036%) alleles from individuals of non-Finnish European background in large population cohorts (Lek et al., 2016). We interpret c.266_267dupAA as a pathogenic variant.

Literature cited by the submitters: PubMed 27607234 (cited by Labcorp Genetics (formerly Invitae), Labcorp); PubMed 26743599 (cited by Labcorp Genetics (formerly Invitae), Labcorp).

NM_000380.4(XPA):c.266_267dup (p.Val90fs)

Gene: XPA (XPA, DNA damage recognition and repair factor; minus strand). Cytogenetic location: 9q22.33.
Variant type: Duplication.
Coding change: c.266_267dup on transcript NM_000380.4 (MANE Select); coding-DNA positions 266 to 267, 2 bases duplicated (AA; older notation c.266_267dupAA).
Protein change: p.Val90fs; shifts the reading frame from valine 90.
Molecular consequence: frameshift variant. On other transcripts: non-coding transcript variant (5).
Genome position (GRCh38, 1-based): chr9:97,693,665-97,693,666, TT duplicated on the plus strand (AA on the coding strand, the reverse complement: XPA is on the minus strand); duplicating any 2 consecutive bases within chr9:97,693,665-97,693,668 gives the same sequence; the c. name uses the placement nearest the transcript's 3' end. VCF-style (leftmost placement, unchanged base first): chr9-97693664-C-CTT. GRCh37 (hg19) VCF-style: chr9-100455946-C-CTT.
Other names: c.140_141dup, p.Val48fs (NM_001354975.2); c.266_267dupAA (NM_000380.3); short protein forms V90fs, V48fs.
Identifiers: ClinVar variation 524023 (VCV000524023.8), dbSNP rs759052378, ClinGen allele CA5148874.
Genomic context (GRCh38, chr9:97,693,664, plus strand): 5'-CAAAATAACCAATCTAGATACTTATTTTTGAAAAACTCACTTTACCTGGTTGATGAACAA[C>CTT]TTTTCCAATTTTCTGTTCTTCTTCTTCTTCCTCTTCTAAAATGAAGCCTCCTCCTGTGTC-3'